The following is an entry in ClinVar:

ClinVar aggregate classification (germline): Pathogenic (1 of 4 stars; one submission).

Submission:

Labcorp Genetics (formerly Invitae), Labcorp
Classification: Pathogenic. Last evaluated: 2022-10-14. Review status: criteria provided, single submitter. Criteria: Invitae Variant Classification Sherloc (09022015). Collection method: clinical testing. Allele origin: germline.
Comment: This sequence change creates a premature translational stop signal (p.Glu65*) in the MESP2 gene. It is expected to result in an absent or disrupted protein product. Loss-of-function variants in MESP2 are known to be pathogenic (PMID: 9242490, 18485326). This variant is not present in population databases (gnomAD no frequency). This variant has not been reported in the literature in individuals affected with MESP2-related conditions. For these reasons, this variant has been classified as Pathogenic.

Literature cited by the submitters: PubMed 9242490; PubMed 18485326.

NM_001039958.2(MESP2):c.193G>T (p.Glu65Ter)

Gene: MESP2 (mesoderm posterior bHLH transcription factor 2; plus strand). Cytogenetic location: 15q26.1.
Variant type: single nucleotide variant.
Coding change: c.193G>T on transcript NM_001039958.2 (MANE Select); coding-DNA position 193, G replaced by T.
Protein change: p.Glu65Ter; replaces glutamic acid 65 with a stop codon.
Molecular consequence: nonsense.
Genome position (GRCh38, 1-based): chr15:89,776,550, G>T. VCF-style: chr15-89776550-G-T. GRCh37 (hg19) VCF-style: chr15-90319781-G-T.
Other names: short protein forms E65*.
Identifiers: ClinVar variation 2808490 (VCV002808490.3), dbSNP rs2141774162, ClinGen allele CA393769287.
Genomic context (GRCh38, chr15:89,776,550, plus strand): 5'-TGCGACGGCGCCCGCGGACTCCCGCAGCCACAGCCTCCGAGCTGCAGCTCCCGAGCCGCA[G>T]AGGCAGCCGCGACGACGCCCAGACGAGCGCGCACCGGACCAGCGGGCGGACAGCGGCAGA-3'